The following is an entry in ClinVar:

ClinVar aggregate classification (germline): Likely benign (1 of 4 stars; one submission).

Conditions:
Familial infantile myoclonic epilepsy (FIME). Also called: TBC1D24-Related Familial Infantile Myoclonic Epilepsy (FIME); Epilepsy, Myoclonic, Infantile. Identifiers: Orphanet 352582, MedGen C0917800, MONDO:0011506, OMIM 605021.

Allele frequency attached by ClinVar (database versions not stated): TOPMed 0.00109; gnomAD 0.00066 and 0.00079; 1000 Genomes Project 0.00319; 1000 Genomes Project 30x 0.00328.

Submission:

Illumina Laboratory Services, Illumina
Classification: Likely benign for Familial infantile myoclonic epilepsy. Last evaluated: 2018-01-12. Review status: criteria provided, single submitter. Criteria: ICSL Variant Classification Criteria 13 December 2019. Collection method: clinical testing. Allele origin: germline.
Comment: This variant was observed in the ICSL laboratory as part of a predisposition screen in an ostensibly healthy population. It had not been previously curated by ICSL or reported in the Human Gene Mutation Database (HGMD: prior to June 1st, 2018), and was therefore a candidate for classification through an automated scoring system. Utilizing variant allele frequency, disease prevalence and penetrance estimates, and inheritance mode, an automated score was calculated to assess if this variant is too frequent to cause the disease. Based on the score and internal cut-off values, a variant classified as likely benign is not then subjected to further curation. The score for this variant resulted in a classification of likely benign for this disease.

NM_001199107.2(TBC1D24):c.*1233C>T

Gene: TBC1D24 (TBC1 domain family member 24; plus strand). Cytogenetic location: 16p13.3.
Variant type: single nucleotide variant.
Coding change: c.*1233C>T on transcript NM_001199107.2 (MANE Select); 1233 bases downstream of the stop codon, C replaced by T.
Molecular consequence: 3 prime UTR variant.
Genome position (GRCh38, 1-based): chr16:2,502,191, C>T. VCF-style: chr16-2502191-C-T. GRCh37 (hg19) VCF-style: chr16-2552192-C-T.
Other names: c.*1233C>T (NM_020705.3).
Identifiers: ClinVar variation 887726 (VCV000887726.4), dbSNP rs74621956, ClinGen allele CA276810187.